The following is an entry in ClinVar:

ClinVar aggregate classification (germline): Uncertain significance (1 of 4 stars; one submission).

Conditions:
Cardiovascular phenotype. Identifiers: MedGen CN230736.

Submission:

Ambry Genetics
Classification: Uncertain significance for Cardiovascular phenotype. Last evaluated: 2023-10-27. Review status: criteria provided, single submitter. Criteria: Ambry Variant Classification Scheme 2023. Collection method: clinical testing. Allele origin: germline.
Comment: The p.T235A variant (also known as c.703A>G), located in coding exon 5 of the MYOZ2 gene, results from an A to G substitution at nucleotide position 703. The threonine at codon 235 is replaced by alanine, an amino acid with similar properties. This amino acid position is conserved. In addition, this alteration is predicted to be tolerated by in silico analysis. Since supporting evidence is limited at this time, the clinical significance of this alteration remains unclear.

NM_016599.5(MYOZ2):c.703A>G (p.Thr235Ala)

Gene: MYOZ2 (myozenin 2; plus strand). Cytogenetic location: 4q26.
Variant type: single nucleotide variant.
Coding change: c.703A>G on transcript NM_016599.5 (MANE Select); coding-DNA position 703, A replaced by G.
Protein change: p.Thr235Ala; replaces threonine 235 with alanine.
Molecular consequence: missense variant.
Genome position (GRCh38, 1-based): chr4:119,186,108, A>G. VCF-style: chr4-119186108-A-G. GRCh37 (hg19) VCF-style: chr4-120107263-A-G.
Other names: short protein forms T235A.
Identifiers: ClinVar variation 3226917 (VCV003226917.1), dbSNP rs2529809807, ClinGen allele CA358202247.